The following is an entry in ClinVar:

ClinVar aggregate classification (germline): Uncertain significance (1 of 4 stars; one submission).

Conditions:
Marfan syndrome (MFS). Also called: FBN1-Related Marfan Syndrome; MARFAN SYNDROME, TYPE I; Marfan syndrome type 1; Marfan's syndrome; Marfan syndrome, classic. Identifiers: Orphanet 284963, Orphanet 558, MedGen C0024796, MONDO:0007947, OMIM 154700.
Familial thoracic aortic aneurysm and aortic dissection (TAAD). Also called: Thoracic aortic aneurysms and dissections. Identifiers: Orphanet 91387, MedGen C4707243, MONDO:0019625.

Submission:

Labcorp Genetics (formerly Invitae), Labcorp
Classification: Uncertain significance for Marfan syndrome; Familial thoracic aortic aneurysm and aortic dissection. Last evaluated: 2025-08-17. Review status: criteria provided, single submitter. Criteria: Invitae Variant Classification Sherloc (09022015). Collection method: clinical testing. Allele origin: germline.
Comment: This sequence change replaces asparagine, which is neutral and polar, with lysine, which is basic and polar, at codon 2543 of the FBN1 protein (p.Asn2543Lys). This variant is not present in population databases (gnomAD no frequency). This missense change has been observed in individual(s) with FBN1-related conditions (internal data). Invitae Evidence Modeling of protein sequence and biophysical properties (such as structural, functional, and spatial information, amino acid conservation, physicochemical variation, residue mobility, and thermodynamic stability) indicates that this missense variant is expected to disrupt FBN1 protein function with a positive predictive value of 95%. In summary, the available evidence is currently insufficient to determine the role of this variant in disease. Therefore, it has been classified as a Variant of Uncertain Significance.

NM_000138.5(FBN1):c.7629C>A (p.Asn2543Lys)

Gene: FBN1 (fibrillin 1; minus strand). Cytogenetic location: 15q21.1.
Variant type: single nucleotide variant.
Coding change: c.7629C>A on transcript NM_000138.5 (MANE Select); coding-DNA position 7629, C replaced by A.
Protein change: p.Asn2543Lys; replaces asparagine 2543 with lysine.
Molecular consequence: missense variant.
Genome position (GRCh38, 1-based): chr15:48,421,628, G>T on the plus strand (C>A on the coding strand, the complement: FBN1 is on the minus strand). VCF-style: chr15-48421628-G-T. GRCh37 (hg19) VCF-style: chr15-48713825-G-T.
Other names: c.7629C>A, p.Asn2543Lys (NM_001406716.1); short protein forms N2543K.
Identifiers: ClinVar variation 4789632 (VCV004789632.1).